The following is an entry in ClinVar:

ClinVar aggregate classification (germline): Uncertain significance. Review status: criteria provided, multiple submitters, no conflicts (2 of 4 stars). 2 submissions from 2 submitters: Uncertain significance (2). Last evaluated 2025-08-06.

Conditions:
Dilated cardiomyopathy 1G (CMD1G). Identifiers: Orphanet 154, MedGen C1858763, MONDO:0011400, OMIM 604145.
Autosomal recessive limb-girdle muscular dystrophy type 2J (LGMDR10). Also called: Limb-girdle muscular dystrophy, type 2J; MUSCULAR DYSTROPHY, LIMB-GIRDLE, AUTOSOMAL RECESSIVE 10. Identifiers: Orphanet 140922, MedGen C1837342, MONDO:0012127, OMIM 608807.

Allele frequency attached by ClinVar (database versions not stated): gnomAD exomes below 0.00001; TOPMed below 0.00001; gnomAD 0.00001.
gnomAD v4.1: 2 of 1,613,846 alleles (0.00012%); highest among the groups gnomAD compares: East Asian, 0.0022%; no homozygotes.

Submissions (2):

Labcorp Genetics (formerly Invitae), Labcorp
Classification: Uncertain significance for Dilated cardiomyopathy 1G; Autosomal recessive limb-girdle muscular dystrophy type 2J. Last evaluated: 2025-08-06. Review status: criteria provided, single submitter. Criteria: Invitae Variant Classification Sherloc (09022015). Collection method: clinical testing. Allele origin: germline.
Comment: This sequence change replaces histidine, which is basic and polar, with arginine, which is basic and polar, at codon 34702 of the TTN protein (p.His34702Arg). This variant is present in population databases (no rsID available, gnomAD 0.06%). This variant has not been reported in the literature in individuals affected with TTN-related conditions. ClinVar contains an entry for this variant (Variation ID: 862448). An algorithm developed to predict the effect of missense changes on protein structure and function outputs the following: PolyPhen-2: "Not Available". The arginine amino acid residue is found in multiple mammalian species, which suggests that this missense change does not adversely affect protein function. This variant is located in the M band of TTN (PMID: 25589632). Non-truncating variants in this region may be relevant for neuromuscular disorders, but have not been definitively shown to cause cardiomyopathy (PMID: 23975875). In summary, the available evidence is currently insufficient to determine the role of this variant in disease. Therefore, it has been classified as a Variant of Uncertain Significance.

Revvity Omics, Revvity
Classification: Uncertain significance. Last evaluated: 2019-05-16. Review status: criteria provided, single submitter. Criteria: ACMG Guidelines, 2015. Collection method: clinical testing. Allele origin: germline.

Literature cited by the submitters: PubMed 25589632 (cited by Labcorp Genetics (formerly Invitae), Labcorp); PubMed 23975875 (cited by Labcorp Genetics (formerly Invitae), Labcorp).

NM_001267550.2(TTN):c.104105A>G (p.His34702Arg)

Genes: TTN (titin; minus strand), TTN-AS1 (TTN antisense RNA 1; plus strand). Cytogenetic location: 2q31.2.
Variant type: single nucleotide variant.
Coding change: c.104105A>G on transcript NM_001267550.2 (MANE Select); coding-DNA position 104105, A replaced by G.
Protein change: p.His34702Arg; replaces histidine 34702 with arginine.
Molecular consequence: missense variant.
Genome position (GRCh38, 1-based): chr2:178,532,510, T>C on the plus strand (A>G on the coding strand, the complement: TTN is on the minus strand). VCF-style: chr2-178532510-T-C. GRCh37 (hg19) VCF-style: chr2-179397237-T-C.
Other names: c.99182A>G, p.His33061Arg (NM_001256850.1); c.76910A>G, p.His25637Arg (NM_003319.4); c.96401A>G, p.His32134Arg (NM_133378.4); c.77285A>G, p.His25762Arg (NM_133432.3); c.77486A>G, p.His25829Arg (NM_133437.4); short protein forms H25762R, H25829R, H33061R, H34702R, H25637R, H32134R.
Identifiers: ClinVar variation 862448 (VCV000862448.6), dbSNP rs1190780620, ClinGen allele CA349412508.